The following is an entry in ClinVar:

ClinVar aggregate classification (germline): Likely benign. Review status: criteria provided, multiple submitters, no conflicts (2 of 4 stars). 2 submissions from 2 submitters: Likely benign (2). Last evaluated 2022-12-01.

Conditions:
Muscular dystrophy-dystroglycanopathy (congenital with brain and eye anomalies), type A14. Also called: Congenital muscular dystrophy-dystroglycanopathy with brain and eye anomalies, type A14; WALKER-WARBURG SYNDROME OR MUSCLE-EYE-BRAIN DISEASE, GMPPB-RELATED; Muscular dystrophy-dystroglycanopathy (congenital with brain and eye anomalies), type a, 14; Congenital Muscular Dystrophy-Dystroglycanopathy with Brain and Eye Anomalies Type A 14. Identifiers: Orphanet 588, MedGen C3809216, MONDO:0014140, OMIM 615350.
Muscular dystrophy-dystroglycanopathy (congenital with impaired intellectual development), type B, 14. Also called: Congenital muscular dystrophy-dystroglycanopathy with mental retardation, type B14; Muscular dystrophy-dystroglycanopathy (congenital with intellectual disability), type B14; MUSCULAR DYSTROPHY, CONGENITAL, GMPPB-RELATED. Identifiers: MedGen C3809221, MONDO:0014141, OMIM 615351.
Autosomal recessive limb-girdle muscular dystrophy type 2T. Also called: Limb-girdle muscular dystrophy-dystroglycanopathy, type C14; MUSCULAR DYSTROPHY-DYSTROGLYCANOPATHY, LIMB-GIRDLE, GMPPB-RELATED; MUSCULAR DYSTROPHY, LIMB-GIRDLE, TYPE 2T; Muscular dystrophy-dystroglycanopathy (limb-girdle), type c, 14. Identifiers: Orphanet 363623, MedGen C4518000, MONDO:0014142, OMIM 615352.

Allele frequency attached by ClinVar (database versions not stated): gnomAD exomes 0.00002 and below 0.00001.

Submissions (2):

CeGaT Center for Human Genetics Tuebingen
Classification: Likely benign. Last evaluated: 2022-12-01. Review status: criteria provided, single submitter. Criteria: CeGaT Center For Human Genetics Tuebingen Variant Classification Criteria Version 2. Collection method: clinical testing. Allele origin: germline. Affected: yes. Observed: 1 variant allele.
Comment: GMPPB: BP4, BP7

Labcorp Genetics (formerly Invitae), Labcorp
Classification: Likely benign for Autosomal recessive limb-girdle muscular dystrophy type 2T; Muscular dystrophy-dystroglycanopathy (congenital with brain and eye anomalies), type A14; Muscular dystrophy-dystroglycanopathy (congenital with impaired intellectual development), type B, 14. Last evaluated: 2022-03-09. Review status: criteria provided, single submitter. Criteria: Invitae Variant Classification Sherloc (09022015). Collection method: clinical testing. Allele origin: germline.

NM_021971.4(GMPPB):c.759C>T (p.Asn253=)

Gene: GMPPB (GDP-mannose pyrophosphorylase B; minus strand). Cytogenetic location: 3p21.31.
Variant type: single nucleotide variant.
Coding change: c.759C>T on transcript NM_021971.4 (MANE Select); coding-DNA position 759, C replaced by T.
Protein change: p.Asn253=; no amino-acid change (asparagine 253 retained).
Molecular consequence: synonymous variant.
Genome position (GRCh38, 1-based): chr3:49,722,240, G>A on the plus strand (C>T on the coding strand, the complement: GMPPB is on the minus strand). VCF-style: chr3-49722240-G-A. GRCh37 (hg19) VCF-style: chr3-49759673-G-A.
Other names: c.759C>T, p.Asn253= (NM_013334.4).
Identifiers: ClinVar variation 724187 (VCV000724187.30), dbSNP rs1032078654, ClinGen allele CA74541549.
Genomic context (GRCh38, chr3:49,722,240, plus strand): 5'-CTTGTCTCCCAAGACTGAGGGGGTTAATGATGGGCTGGGCAAGGGCCTCACCACCAGCAC[G>A]TTGCCCACAATGCCAGGGCCTGAGCACAGCCGCTCAGGCTGCTTCTGCCTCAGTGACTGC-3'
Protein context (NP_068806.2, residues 243-263): RLCSGPGIVG[Asn253=]VLVDPSARIG